The following is an entry in ClinVar:

NM_016542.4(STK26):c.834A>G (p.Ser278=)

Gene: STK26 (serine/threonine kinase 26; plus strand). Cytogenetic location: Xq26.2.
Variant type: single nucleotide variant.
Coding change: c.834A>G on transcript NM_016542.4 (MANE Select); coding-DNA position 834, A replaced by G.
Protein change: p.Ser278=; no amino-acid change (serine 278 retained).
Molecular consequence: synonymous variant.
Genome position (GRCh38, 1-based): chrX:132,071,119, A>G. VCF-style: chrX-132071119-A-G. GRCh37 (hg19) VCF-style: chrX-131205147-A-G.
Other names: c.648A>G, p.Ser216= (NM_001042452.2); c.603A>G, p.Ser201= (NM_001042453.2).
Identifiers: ClinVar variation 2661450 (VCV002661450.24), dbSNP rs139399862, ClinGen allele CA10518684.

ClinVar aggregate classification (germline): Likely benign (1 of 4 stars; one submission).

Allele frequency attached by ClinVar (database versions not stated): gnomAD 0.00024; ExAC 0.00026; TOPMed 0.00036; 1000 Genomes Project 30x 0.00042; ESP Exome Variant Server 0.00047; 1000 Genomes Project 0.00053; gnomAD exomes 0.00054.
gnomAD v4.1: 616 of 1,207,191 alleles (0.051%); highest among the groups gnomAD compares: Non-Finnish European, 0.065%; no homozygotes.

Submission:

CeGaT Center for Human Genetics Tuebingen
Classification: Likely benign. Last evaluated: 2022-09-01. Review status: criteria provided, single submitter. Criteria: CeGaT Center For Human Genetics Tuebingen Variant Classification Criteria Version 2. Collection method: clinical testing. Allele origin: germline. Affected: yes. Observed: 1 variant allele.
Comment: STK26: BP4, BP7